The following is an entry in ClinVar:

ClinVar aggregate classification (germline): Pathogenic (1 of 4 stars; one submission).

Submission:

CeGaT Center for Human Genetics Tuebingen
Classification: Pathogenic. Last evaluated: 2025-06-01. Review status: criteria provided, single submitter. Criteria: CeGaT Center For Human Genetics Tuebingen Variant Classification Criteria Version 2. Collection method: clinical testing. Allele origin: germline. Affected: yes. Observed: 1 variant allele.
Comment: TNFAIP3: PVS1, PM2

NM_001270508.2(TNFAIP3):c.1681C>T (p.Gln561Ter)

Gene: TNFAIP3 (TNF alpha induced protein 3; plus strand). Cytogenetic location: 6q23.3.
Variant type: single nucleotide variant.
Coding change: c.1681C>T on transcript NM_001270508.2 (MANE Select); coding-DNA position 1681, C replaced by T.
Protein change: p.Gln561Ter; replaces glutamine 561 with a stop codon.
Molecular consequence: nonsense.
Genome position (GRCh38, 1-based): chr6:137,879,126, C>T. VCF-style: chr6-137879126-C-T. GRCh37 (hg19) VCF-style: chr6-138200263-C-T.
Other names: c.1681C>T, p.Gln561Ter (NM_001270507.2, NM_006290.4); short protein forms Q561*.
Identifiers: ClinVar variation 4085217 (VCV004085217.8).